The following is an entry in ClinVar:

NM_006231.4(POLE):c.6328A>C (p.Lys2110Gln)

Gene: POLE (DNA polymerase epsilon, catalytic subunit; minus strand). Cytogenetic location: 12q24.33.
Variant type: single nucleotide variant.
Coding change: c.6328A>C on transcript NM_006231.4 (MANE Select); coding-DNA position 6328, A replaced by C.
Protein change: p.Lys2110Gln; replaces lysine 2110 with glutamine.
Molecular consequence: missense variant.
Genome position (GRCh38, 1-based): chr12:132,632,317, T>G on the plus strand (A>C on the coding strand, the complement: POLE is on the minus strand). VCF-style: chr12-132632317-T-G. GRCh37 (hg19) VCF-style: chr12-133208903-T-G.
Other names: short protein forms K2110Q.
Identifiers: ClinVar variation 662006 (VCV000662006.6), dbSNP rs746736600, ClinGen allele CA387369154.

ClinVar aggregate classification (germline): Uncertain significance (1 of 4 stars; one submission).

Submission:

Labcorp Genetics (formerly Invitae), Labcorp
Classification: Uncertain significance. Last evaluated: 2025-02-26. Review status: criteria provided, single submitter. Criteria: Invitae Variant Classification Sherloc (09022015). Collection method: clinical testing. Allele origin: germline.
Comment: This sequence change replaces lysine, which is basic and polar, with glutamine, which is neutral and polar, at codon 2110 of the POLE protein (p.Lys2110Gln). This variant is not present in population databases (gnomAD no frequency). This variant has not been reported in the literature in individuals affected with POLE-related conditions. ClinVar contains an entry for this variant (Variation ID: 662006). An algorithm developed to predict the effect of missense changes on protein structure and function (PolyPhen-2) suggests that this variant is likely to be tolerated. In summary, the available evidence is currently insufficient to determine the role of this variant in disease. Therefore, it has been classified as a Variant of Uncertain Significance.